The following is an entry in ClinVar:

ClinVar aggregate classification (germline): Uncertain significance (1 of 4 stars; one submission).

gnomAD v4.1: 7 of 1,613,832 alleles (0.00043%); highest among the groups gnomAD compares: Non-Finnish European, 0.00051%; no homozygotes.

Submission:

Labcorp Genetics (formerly Invitae), Labcorp
Classification: Uncertain significance. Last evaluated: 2024-01-11. Review status: criteria provided, single submitter. Criteria: Invitae Variant Classification Sherloc (09022015). Collection method: clinical testing. Allele origin: germline.
Comment: This sequence change replaces alanine, which is neutral and non-polar, with valine, which is neutral and non-polar, at codon 2195 of the FAT2 protein (p.Ala2195Val). This variant is present in population databases (no rsID available, gnomAD 0.002%). This variant has not been reported in the literature in individuals affected with FAT2-related conditions. Advanced modeling of protein sequence and biophysical properties (such as structural, functional, and spatial information, amino acid conservation, physicochemical variation, residue mobility, and thermodynamic stability) has been performed at Invitae for this missense variant, however the output from this modeling did not meet the statistical confidence thresholds required to predict the impact of this variant on FAT2 protein function. Algorithms developed to predict the effect of sequence changes on RNA splicing suggest that this variant may create or strengthen a splice site. In summary, the available evidence is currently insufficient to determine the role of this variant in disease. Therefore, it has been classified as a Variant of Uncertain Significance.

NM_001447.3(FAT2):c.6584C>T (p.Ala2195Val)

Genes: FAT2 (FAT atypical cadherin 2; minus strand), SLC36A1 (solute carrier family 36 member 1; plus strand). Cytogenetic location: 5q33.1.
Variant type: single nucleotide variant.
Coding change: c.6584C>T on transcript NM_001447.3 (MANE Select); coding-DNA position 6584, C replaced by T.
Protein change: p.Ala2195Val; replaces alanine 2195 with valine.
Molecular consequence: missense variant.
Genome position (GRCh38, 1-based): chr5:151,544,543, G>A on the plus strand (C>T on the coding strand, the complement: FAT2 is on the minus strand). VCF-style: chr5-151544543-G-A. GRCh37 (hg19) VCF-style: chr5-150924104-G-A.
Other names: short protein forms A2195V.
Identifiers: ClinVar variation 3002803 (VCV003002803.3), dbSNP rs1446567236, ClinGen allele CA361838224.
Genomic context (GRCh38, chr5:151,544,543, plus strand): 5'-AGCATCAAGGGTTCTTCCTCCACAATGTTGTAGATGAGCCGGAGTCCCTCTGGACTCCGG[G>A]CCTGGGTGTGGAGAATTGGGGTATAGAGGGTGATATTTTCAGGTACTCTGACTTTGTAAT-3'
Protein context (NP_001438.1, residues 2185-2205): TLYTPILHTQ[Ala2195Val]RSPEGLRLIY